The following is an entry in ClinVar:

NM_000051.4(ATM):c.3054del (p.Thr1020fs)

Gene: ATM (ATM serine/threonine kinase; plus strand). Cytogenetic location: 11q22.3.
Variant type: Deletion.
Coding change: c.3054del on transcript NM_000051.4 (MANE Select); coding-DNA position 3054, one base deleted (T; older notation c.3054delT).
Protein change: p.Thr1020fs; shifts the reading frame from threonine 1020.
Molecular consequence: frameshift variant.
Genome position (GRCh38, 1-based): chr11:108,271,383, T deleted; the last of 3 consecutive T bases (chr11:108,271,381-108,271,383); deleting any one gives the same sequence. VCF-style (leftmost placement, unchanged base first): chr11-108271380-GT-G. GRCh37 (hg19) VCF-style: chr11-108142107-GT-G.
Other names: c.3054del, p.Thr1020fs (NM_001351834.2); short protein forms T1020fs.
Identifiers: ClinVar variation 1460427 (VCV001460427.6), dbSNP rs2135554539, ClinGen allele CA2573146601.
Genomic context (GRCh38, chr11:108,271,380, plus strand): 5'-AGTGAAAAACCTAGGTCAAAGCAATATGGACTCTGAGAACACAAGGGATGCTCAAGGACA[GT>G]TTCTTACAGTAATTGGAGCATTTTGGTAGGTACAGTCTATTTTGTGGTCCTATTTTTCTT-3'

ClinVar aggregate classification (germline): Pathogenic (1 of 4 stars; one submission).

Conditions:
Ataxia-telangiectasia syndrome (AT). Also called: Ataxia-telangiectasia, complementation group D; AT, COMPLEMENTATION GROUP C; Cerebello-oculocutaneous telangiectasia; Immunodeficiency with ataxia telangiectasia; Ataxia-telangiectasia, complementation group E; LOUIS-BAR SYNDROME. Identifiers: Orphanet 100, MedGen C0004135, MONDO:0008840, OMIM 208900.

Submission:

Labcorp Genetics (formerly Invitae), Labcorp
Classification: Pathogenic for Ataxia-telangiectasia syndrome. Last evaluated: 2021-10-28. Review status: criteria provided, single submitter. Criteria: Invitae Variant Classification Sherloc (09022015). Collection method: clinical testing. Allele origin: germline.
Comment: This sequence change creates a premature translational stop signal (p.Thr1020Glnfs*2) in the ATM gene. It is expected to result in an absent or disrupted protein product. Loss-of-function variants in ATM are known to be pathogenic (PMID: 23807571, 25614872). For these reasons, this variant has been classified as Pathogenic. This variant has not been reported in the literature in individuals affected with ATM-related conditions. This variant is not present in population databases (gnomAD no frequency).

Literature cited by the submitters: PubMed 23807571; PubMed 25614872.